The following is an entry in ClinVar:

NM_001009944.3(PKD1):c.165_171dup (p.Thr58fs)

Gene: PKD1 (polycystin 1, transient receptor potential channel interacting; minus strand). Cytogenetic location: 16p13.3.
Variant type: Duplication.
Coding change: c.165_171dup on transcript NM_001009944.3 (MANE Select); coding-DNA positions 165 to 171, 7 bases duplicated (GCTGCGG; older notation c.165_171dupGCTGCGG).
Protein change: p.Thr58fs; shifts the reading frame from threonine 58.
Molecular consequence: frameshift variant.
Genome position (GRCh38, 1-based): chr16:2,135,519-2,135,525, CCGCAGC duplicated on the plus strand (GCTGCGG on the coding strand, the reverse complement: PKD1 is on the minus strand); duplicating any 7 consecutive bases within chr16:2,135,519-2,135,529 gives the same sequence; the c. name uses the placement nearest the transcript's 3' end. VCF-style (leftmost placement, unchanged base first): chr16-2135518-T-TCCGCAGC. GRCh37 (hg19) VCF-style: chr16-2185519-T-TCCGCAGC.
Other names: c.165_171dup, p.Thr58fs (NM_000296.4); c.165_171dup (NM_001009944.2); c.165_171dup7 (NM_001009944.2); short protein forms T58fs.
Identifiers: ClinVar variation 3381902 (VCV003381902.3).

ClinVar aggregate classification (germline): Pathogenic/Likely pathogenic. Review status: criteria provided, multiple submitters, no conflicts (2 of 4 stars). 2 submissions from 2 submitters: Pathogenic (1); Likely pathogenic (1). Last evaluated 2025-12-30.

Conditions:
PKD1-related disorder. Also called: PKD1-related condition.
Polycystic kidney disease, adult type (PKD1). Also called: Polycystic Kidney Disease 1, Autosomal Dominant; Polycystic kidney disease 1; Polycystic kidney disease 1, severe; Polycystic Kidney, Autosomal Dominant; POLYCYSTIC KIDNEY DISEASE 1 WITH OR WITHOUT POLYCYSTIC LIVER DISEASE; POLYCYSTIC KIDNEY DISEASE, ADULT, TYPE I. Identifiers: MedGen C3149841, MONDO:0008263, OMIM 173900.

Submissions (2):

PreventionGenetics, part of Exact Sciences
Classification: Likely pathogenic for PKD1-related condition. Last evaluated: 2025-12-30. Review status: criteria provided, single submitter. Criteria: ACMG Guidelines, 2015. Collection method: clinical testing. Allele origin: germline.
Comment: The PKD1 c.165_171dup7 variant is predicted to result in a frameshift and premature protein termination (p.Thr58Alafs*58). To our knowledge, this variant has not been reported in the literature, or in a large population database (gnomAD), indicating this variant is rare. Frameshift variants in PKD1 are expected to be pathogenic. This variant is interpreted as likely pathogenic.

Juno Genomics, Hangzhou Juno Genomics, Inc
Classification: Pathogenic for Polycystic kidney disease, adult type. Review status: criteria provided, single submitter. Criteria: ACMG Guidelines, 2015. Collection method: clinical testing. Allele origin: germline. Affected: yes.
Comment: Absent from controls (or at extremely low frequency if recessive) in Genome Aggregation Database, Exome Sequencing Project, 1000 Genomes Project, or Exome Aggregation Consortium.;Null variant in a gene where loss of function (LOF) is a known mechanism of disease.